The following is an entry in ClinVar:

NM_000187.4(HGD):c.458A>G (p.Asp153Gly)

Gene: HGD (homogentisate 1,2-dioxygenase; minus strand). Cytogenetic location: 3q13.33.
Variant type: single nucleotide variant.
Coding change: c.458A>G on transcript NM_000187.4 (MANE Select); coding-DNA position 458, A replaced by G.
Protein change: p.Asp153Gly; replaces aspartic acid 153 with glycine.
Molecular consequence: missense variant.
Genome position (GRCh38, 1-based): chr3:120,647,888, T>C on the plus strand (A>G on the coding strand, the complement: HGD is on the minus strand). VCF-style: chr3-120647888-T-C. GRCh37 (hg19) VCF-style: chr3-120366735-T-C.
Other names: short protein forms D153G.
Identifiers: ClinVar variation 2626843 (VCV002626843.1), dbSNP rs775274569, ClinGen allele CA2560200.
Genomic context (GRCh38, chr3:120,647,888, plus strand): 5'-GGTTAGGGGTCAATTAACAGTGAGGGGGTCTGAAGTCTTCAGAACTCACCAATCAAGAAG[T>C]CCCCATCTGAATTGTAAAAGCATCTGAAACATATAGAGTAATTCTTGTGATTTTCAGTTT-3'
Protein context (NP_000178.2, residues 143-163): ENRCFYNSDG[Asp153Gly]FLIVPQKGNL

ClinVar aggregate classification (germline): Pathogenic (0 of 4 stars; one submission).

Conditions:
Alkaptonuria (AKU). Also called: Alkaptonuric ochronosis; Homogentisic acidura; Alcaptonuria; HOMOGENTISIC ACID OXIDASE DEFICIENCY. Identifiers: Orphanet 56, MedGen C0002066, MONDO:0008753, OMIM 203500.

Allele frequency attached by ClinVar (database versions not stated): ExAC 0.00001; TOPMed 0.00001.
gnomAD v4.1: 2 of 1,612,404 alleles (0.00012%); highest among the groups gnomAD compares: East Asian, 0.0022%; no homozygotes.

Submission:

Department Of Human Genetics, Institute Of Clinical And Translational Research, Biomedical Research Center, Slovak Academy Of Sciences
Classification: Pathogenic for Alkaptonuria. Review status: no assertion criteria provided. Collection method: research. Allele origin: germline. Inheritance: Autosomal recessive inheritance. Affected: yes. Observed: 4 variant alleles.
Comment: The variant was originally described in AKU patient in PMID:9529363. It has been submitted to the HGD gene mutation database (DB-ID: AKU_00043).

Literature cited by the submitters: PubMed 9529363.